The following is an entry in ClinVar:

ClinVar aggregate classification (germline): Uncertain significance (1 of 4 stars; one submission).

Conditions:
Nemaline myopathy 5 (NEM5A). Also called: NEMALINE MYOPATHY 5A, AUTOSOMAL RECESSIVE, SEVERE INFANTILE; Nemaline myopathy 5, Amish type; NEMALINE MYOPATHY, AMISH TYPE. Identifiers: Orphanet 98902, MedGen C1854380, MONDO:0011539, OMIM 605355.

Allele frequency attached by ClinVar (database versions not stated): gnomAD exomes 0.00001; TOPMed 0.00001; gnomAD 0.00003 and 0.00004.

Submission:

Labcorp Genetics (formerly Invitae), Labcorp
Classification: Uncertain significance for Nemaline myopathy 5. Last evaluated: 2022-11-22. Review status: criteria provided, single submitter. Criteria: Invitae Variant Classification Sherloc (09022015). Collection method: clinical testing. Allele origin: germline.
Comment: In summary, the available evidence is currently insufficient to determine the role of this variant in disease. Therefore, it has been classified as a Variant of Uncertain Significance. Variants that disrupt the consensus splice site are a relatively common cause of aberrant splicing (PMID: 17576681, 9536098). Algorithms developed to predict the effect of sequence changes on RNA splicing suggest that this variant is not likely to affect RNA splicing. ClinVar contains an entry for this variant (Variation ID: 1443471). This variant has not been reported in the literature in individuals affected with TNNT1-related conditions. The frequency data for this variant in the population databases is considered unreliable, as metrics indicate poor data quality at this position in the gnomAD database. This sequence change falls in intron 4 of the TNNT1 gene. It does not directly change the encoded amino acid sequence of the TNNT1 protein. It affects a nucleotide within the consensus splice site.

Literature cited by the submitters: PubMed 17576681; PubMed 9536098.

NM_003283.6(TNNT1):c.73+6G>A

Gene: TNNT1 (troponin T1, slow skeletal type; minus strand). Cytogenetic location: 19q13.42.
Variant type: single nucleotide variant.
Coding change: c.73+6G>A on transcript NM_003283.6 (MANE Select); 6 bases into the intron after coding-DNA position 73, G replaced by A.
Molecular consequence: intron variant.
Genome position (GRCh38, 1-based): chr19:55,146,675, C>T on the plus strand (G>A on the coding strand, the complement: TNNT1 is on the minus strand). VCF-style: chr19-55146675-C-T. GRCh37 (hg19) VCF-style: chr19-55658043-C-T.
Other names: c.73+6G>A (NM_001126133.3, NM_001126132.3, NM_001291774.2).
Identifiers: ClinVar variation 1443471 (VCV001443471.4), dbSNP rs1056384260, ClinGen allele CA310139665.
Genomic context (GRCh38, chr19:55,146,675, plus strand): 5'-CTCCCGGGCCCAGCGTCCCCGCCCCCCCACCCCCCAGCTCCAGACCTGCGGAGTCCGGGA[C>T]CTCACCTTCCTCCTCCTCCTCCGCAGCCTCCTCTGGAGATGGGGGCACAGAAGAGAAGGC-3'